The following is an entry in ClinVar:

NM_001003694.2(BRPF1):c.1722+3A>G

Gene: BRPF1 (bromodomain and PHD finger containing 1; plus strand). Cytogenetic location: 3p25.3.
Variant type: single nucleotide variant.
Coding change: c.1722+3A>G on transcript NM_001003694.2 (MANE Select); 3 bases into the intron after coding-DNA position 1722, A replaced by G.
Molecular consequence: intron variant.
Genome position (GRCh38, 1-based): chr3:9,740,944, A>G. VCF-style: chr3-9740944-A-G. GRCh37 (hg19) VCF-style: chr3-9782628-A-G.
Other names: c.1722+3A>G (NM_004634.3, NM_001319049.2, NM_001319050.2).
Identifiers: ClinVar variation 1304070 (VCV001304070.3), dbSNP rs1381378865, ClinGen allele CA541212185.

ClinVar aggregate classification (germline): Uncertain significance (1 of 4 stars; one submission).

Allele frequency attached by ClinVar (database versions not stated): gnomAD exomes below 0.00001.
gnomAD v4.1: 3 of 1,610,358 alleles (0.00019%); highest among the groups gnomAD compares: Non-Finnish European, 0.00017%; no homozygotes.

Submission:

GeneDx
Classification: Uncertain significance. Last evaluated: 2024-09-26. Review status: criteria provided, single submitter. Criteria: GeneDx Variant Classification Process June 2021. Collection method: clinical testing. Allele origin: germline. Affected: yes.
Comment: Has not been previously published as pathogenic or benign to our knowledge; In silico analysis is inconclusive as to whether the variant alters gene splicing. In the absence of RNA/functional studies, the actual effect of this sequence change is unknown.